The following is an entry in ClinVar:

ClinVar aggregate classification (germline): Likely benign (1 of 4 stars; one submission).

gnomAD v4.1: 1 of 1,205,851 alleles (0.000083%); highest among the groups gnomAD compares: Non-Finnish European, 0.00011%; no homozygotes.

Submission:

CeGaT Center for Human Genetics Tuebingen
Classification: Likely benign. Last evaluated: 2025-03-01. Review status: criteria provided, single submitter. Criteria: CeGaT Center For Human Genetics Tuebingen Variant Classification Criteria Version 2. Collection method: clinical testing. Allele origin: germline. Affected: yes. Observed: 1 variant allele.
Comment: TAF1: BP4, BP7

NM_004606.5(TAF1):c.3771G>A (p.Glu1257=)

Gene: TAF1 (TATA-box binding protein associated factor 1; plus strand). Cytogenetic location: Xq13.1.
Variant type: single nucleotide variant.
Coding change: c.3771G>A on transcript NM_004606.5 (MANE Select); coding-DNA position 3771, G replaced by A.
Protein change: p.Glu1257=; no amino-acid change (glutamic acid 1257 retained).
Molecular consequence: synonymous variant. On other transcripts: non-coding transcript variant (9).
Genome position (GRCh38, 1-based): chrX:71,398,722, G>A. VCF-style: chrX-71398722-G-A. GRCh37 (hg19) VCF-style: chrX-70618572-G-A.
Other names: c.3771G>A, p.Glu1257= (NM_001286074.2); c.3708G>A, p.Glu1236= (NM_138923.4).
Identifiers: ClinVar variation 3778294 (VCV003778294.7).